The following is an entry in ClinVar:

ClinVar aggregate classification (germline): Pathogenic (1 of 4 stars; one submission).

Conditions:
Hereditary angioedema type 1 (HAE1). Identifiers: Orphanet 100050, Orphanet 100051, Orphanet 91378, MedGen C2717906, MONDO:0015053, OMIM 106100.

Submission:

DNA-diagnostics Laboratory, Research Centre For Medical Genetics
Classification: Pathogenic for Hereditary angioedema type 1. Last evaluated: 2024-08-04. Review status: criteria provided, single submitter. Criteria: ACMG Guidelines, 2015. Collection method: research. Allele origin: germline. Inheritance: Autosomal dominant inheritance. Affected: yes. Observed: 1 heterozygote.
Comment: The pathogenic or likely pathogenic SERPING1 gene variants are detected in >90% of the HAE1/2 cases and in >80% of the total HAE cases (e.g., DOI: 10.1016/j.molimm.2008.05.007, 10.1159/2F000138883, 10.1016/j.molimm.2011.07.010). Across all SERPING1 gene exons, about 50% of the pathogenic or likely pathogenic variants associated with HAE are LoF (173/297 in ClinVar or 292/596 in HGMD 2022.1). The 415G>T variant in SERPING1 is localized in exon 3 from total of eight gene exons assembling biologically-relevant transcripts, and it is predicted to result in premature stop codon formation (p.Glu139*) and NMD. Additionally more than 3 LoF variants of the exon 3 SERPING1 gene are pathogenic without the PVS1 criterion: for example, such variants as c.346C>T (p.Gln116*, DOI: 10.1067/mai.2000.110471, 10.1371/journal.pone.0142174), c.120_121del (ClinVar ID: 3248624), c.550+5G>A (ClinVar ID: 3248617) and c.550G>A (p.Gly184Arg, ClinVar ID: 68253). This variant has not been reported in a large population database. In summary, the c.415G>T variant in SERPING1 meets ACMG/ClinGen SVI guidance criteria to be classified as pathogenic: PVS1, PP4_Str, PM2_Sup

Literature cited by the submitters: DOI 10.1016/j.molimm.2008.05.007; DOI 10.1159/2F000138883; DOI 10.1016/j.molimm.2011.07.010; DOI 10.1067/mai.2000.110471; DOI 10.1371/journal.pone.0142174.

NM_000062.3(SERPING1):c.415G>T (p.Glu139Ter)

Gene: SERPING1 (serpin family G member 1; plus strand). Cytogenetic location: 11q12.1.
Variant type: single nucleotide variant.
Coding change: c.415G>T on transcript NM_000062.3 (MANE Select); coding-DNA position 415, G replaced by T.
Protein change: p.Glu139Ter; replaces glutamic acid 139 with a stop codon.
Molecular consequence: nonsense.
Genome position (GRCh38, 1-based): chr11:57,600,242, G>T. VCF-style: chr11-57600242-G-T. GRCh37 (hg19) VCF-style: chr11-57367715-G-T.
Other names: c.415G>T, p.Glu139Ter (NM_001032295.2); short protein forms E139*.
Identifiers: ClinVar variation 3335951 (VCV003335951.2).